The following is an entry in ClinVar:

ClinVar aggregate classification (germline): Pathogenic (1 of 4 stars; one submission).

Submission:

Labcorp Genetics (formerly Invitae), Labcorp
Classification: Pathogenic. Last evaluated: 2022-03-18. Review status: criteria provided, single submitter. Criteria: Invitae Variant Classification Sherloc (09022015). Collection method: clinical testing. Allele origin: germline.
Comment: This sequence change creates a premature translational stop signal (p.Tyr609*) in the CDH23 gene. It is expected to result in an absent or disrupted protein product. Loss-of-function variants in CDH23 are known to be pathogenic (PMID: 11138009, 21940737). This variant is not present in population databases (gnomAD no frequency). This variant has not been reported in the literature in individuals affected with CDH23-related conditions. For these reasons, this variant has been classified as Pathogenic.

Literature cited by the submitters: PubMed 11138009; PubMed 21940737.

NM_022124.6(CDH23):c.1827C>G (p.Tyr609Ter)

Gene: CDH23 (cadherin related 23; plus strand). Cytogenetic location: 10q22.1.
Variant type: single nucleotide variant.
Coding change: c.1827C>G on transcript NM_022124.6 (MANE Select); coding-DNA position 1827, C replaced by G.
Protein change: p.Tyr609Ter; replaces tyrosine 609 with a stop codon.
Molecular consequence: nonsense.
Genome position (GRCh38, 1-based): chr10:71,679,461, C>G. VCF-style: chr10-71679461-C-G. GRCh37 (hg19) VCF-style: chr10-73439218-C-G.
Other names: c.1827C>G, p.Tyr609Ter (NM_001171930.2, NM_001171931.2); short protein forms Y609*.
Identifiers: ClinVar variation 2113693 (VCV002113693.4), dbSNP rs2132674092, ClinGen allele CA377131099.